The following is an entry in ClinVar:

ClinVar aggregate classification (germline): Uncertain significance (1 of 4 stars; one submission).

Allele frequency attached by ClinVar (database versions not stated): ExAC 0.00002; ESP Exome Variant Server 0.00008.
gnomAD v4.1: 4 of 1,614,004 alleles (0.00025%); highest among the groups gnomAD compares: African/African-American, 0.0027%; no homozygotes.

Submission:

GeneDx
Classification: Uncertain significance. Last evaluated: 2025-06-24. Review status: criteria provided, single submitter. Criteria: GeneDx Variant Classification Process June 2021. Collection method: clinical testing. Allele origin: germline. Affected: yes.
Comment: In silico analysis suggests that this missense variant does not alter protein structure/function; Has not been previously published as pathogenic or benign to our knowledge

NM_001110219.3(GJB6):c.516C>A (p.Asp172Glu)

Gene: GJB6 (gap junction protein beta 6; minus strand). Cytogenetic location: 13q12.11.
Variant type: single nucleotide variant.
Coding change: c.516C>A on transcript NM_001110219.3 (MANE Select); coding-DNA position 516, C replaced by A.
Protein change: p.Asp172Glu; replaces aspartic acid 172 with glutamic acid.
Molecular consequence: missense variant.
Genome position (GRCh38, 1-based): chr13:20,222,965, G>T on the plus strand (C>A on the coding strand, the complement: GJB6 is on the minus strand). VCF-style: chr13-20222965-G-T. GRCh37 (hg19) VCF-style: chr13-20797104-G-T.
Other names: c.516C>A, p.Asp172Glu (NM_001110220.3, NM_001110221.3, NM_001370090.1 and 3 more transcripts); short protein forms D172E.
Identifiers: ClinVar variation 2504227 (VCV002504227.2), dbSNP rs150583213, ClinGen allele CA6904425.